The following is an entry in ClinVar:

ClinVar aggregate classification (germline): Uncertain significance (1 of 4 stars; one submission).

Submission:

GeneDx
Classification: Uncertain significance. Last evaluated: 2024-06-06. Review status: criteria provided, single submitter. Criteria: GeneDx Variant Classification Process June 2021. Collection method: clinical testing. Allele origin: germline. Affected: yes.
Comment: Not observed at significant frequency in large population cohorts (gnomAD); In silico analysis indicates that this missense variant does not alter protein structure/function; Has not been previously published as pathogenic or benign to our knowledge

NM_207034.3(EDN3):c.604C>A (p.Gln202Lys)

Gene: EDN3 (endothelin 3; plus strand). Cytogenetic location: 20q13.32.
Variant type: single nucleotide variant.
Coding change: c.604C>A on transcript NM_207034.3 (MANE Select); coding-DNA position 604, C replaced by A.
Protein change: p.Gln202Lys; replaces glutamine 202 with lysine.
Molecular consequence: missense variant. On other transcripts: 3 prime UTR variant (2), synonymous variant (3).
Genome position (GRCh38, 1-based): chr20:59,324,346, C>A. VCF-style: chr20-59324346-C-A. GRCh37 (hg19) VCF-style: chr20-57899401-C-A.
Other names: c.*11C>A (NM_001302455.2); c.558C>A, p.Thr186= (NM_001302456.2); c.618C>A, p.Thr206= (NM_001424361.1); c.643C>A, p.Gln215Lys (NM_001424362.1); c.*42C>A (NM_001424363.1); c.639C>A, p.Thr213= (NM_207032.3); c.562C>A, p.Gln188Lys (NM_207033.3); short protein forms Q188K, Q202K, Q215K.
Identifiers: ClinVar variation 3384231 (VCV003384231.1).